The following is an entry in ClinVar:

NM_138393.4(REEP6):c.101G>C (p.Arg34Pro)

Genes: REEP6 (receptor accessory protein 6; plus strand), LOC130062963 (ATAC-STARR-seq lymphoblastoid silent region 9724; plus strand). Cytogenetic location: 19p13.3.
Variant type: single nucleotide variant.
Coding change: c.101G>C on transcript NM_138393.4 (MANE Select); coding-DNA position 101, G replaced by C.
Protein change: p.Arg34Pro; replaces arginine 34 with proline.
Molecular consequence: missense variant.
Genome position (GRCh38, 1-based): chr19:1,491,370, G>C. VCF-style: chr19-1491370-G-C. GRCh37 (hg19) VCF-style: chr19-1491369-G-C.
Other names: c.101G>C, p.Arg34Pro (NM_001329556.3); short protein forms R34P.
Identifiers: ClinVar variation 1714684 (VCV001714684.6), dbSNP rs2512796497, ClinGen allele CA403055949.
Genomic context (GRCh38, chr19:1,491,370, plus strand): 5'-AAAGGAACCTGGTCACCGAAGTGCTGGGGGCGCTGGAGGCCAAGACCGGGGTGGAGAAGC[G>C]GTATCTGGCTGCAGGTGAGCCGTCGGCGCTAGCCCGTTTCGCCGACGGGCACACCGAGGC-3'
Protein context (NP_612402.1, residues 24-44): ALEAKTGVEK[Arg34Pro]YLAAGAVTLL

ClinVar aggregate classification (germline): Uncertain significance (1 of 4 stars; one submission).

Submission:

Labcorp Genetics (formerly Invitae), Labcorp
Classification: Uncertain significance. Last evaluated: 2022-08-01. Review status: criteria provided, single submitter. Criteria: Invitae Variant Classification Sherloc (09022015). Collection method: clinical testing. Allele origin: germline.
Comment: Experimental studies and prediction algorithms are not available or were not evaluated, and the functional significance of this variant is currently unknown. In summary, the available evidence is currently insufficient to determine the role of this variant in disease. Therefore, it has been classified as a Variant of Uncertain Significance. This variant has not been reported in the literature in individuals affected with REEP6-related conditions. This variant is not present in population databases (gnomAD no frequency). This sequence change replaces arginine, which is basic and polar, with proline, which is neutral and non-polar, at codon 34 of the REEP6 protein (p.Arg34Pro).